The following is an entry in ClinVar:

ClinVar aggregate classification (germline): Uncertain significance (1 of 4 stars; one submission).

Conditions:
Coffin-Lowry syndrome (CLS). Also called: COFFIN-LOWRY SYNDROME, MILD; Mental retardation with osteocartilaginous abnormalities. Identifiers: Orphanet 192, MedGen C0265252, MONDO:0010561, OMIM 303600.

Submission:

3billion
Classification: Uncertain significance for Coffin-Lowry syndrome. Last evaluated: 2023-02-23. Review status: criteria provided, single submitter. Criteria: ACMG Guidelines, 2015. Collection method: clinical testing. Allele origin: unknown. Affected: yes.
Comment: The variant is not observed in the gnomAD v2.1.1 dataset. Missense changes are a common disease-causing mechanism. In silico tool predictions suggest damaging effect of the variant on gene or gene product (REVEL: 0.37; 3Cnet: 0.95). This variant is classified as VUS according to the recommendation of ACMG/AMP guideline.

NM_004586.3(RPS6KA3):c.2204T>A (p.Ile735Asn)

Gene: RPS6KA3 (ribosomal protein S6 kinase A3; minus strand). Cytogenetic location: Xp22.12.
Variant type: single nucleotide variant.
Coding change: c.2204T>A on transcript NM_004586.3 (MANE Select); coding-DNA position 2204, T replaced by A.
Protein change: p.Ile735Asn; replaces isoleucine 735 with asparagine.
Molecular consequence: missense variant.
Genome position (GRCh38, 1-based): chrX:20,155,417, A>T on the plus strand (T>A on the coding strand, the complement: RPS6KA3 is on the minus strand). VCF-style: chrX-20155417-A-T. GRCh37 (hg19) VCF-style: chrX-20173535-A-T.
Other names: short protein forms I735N.
Identifiers: ClinVar variation 2444162 (VCV002444162.1), dbSNP rs2519567556, ClinGen allele CA412511689.
Genomic context (GRCh38, chrX:20,155,417, plus strand): 5'-TCAGCTTACACCATGGTACCAAATATCTCACTGAGGTCACTTCACAGGGCTGTTGAGGTG[A>T]TTTTTTTAATACCTCTCCGCTGAGCAAGAGTAGAGCGGCCTACTGGTTCCAAAACTGGTG-3'
Protein context (NP_004577.1, residues 725-740): TLAQRRGIKK[Ile735Asn]TSTAL